The following is an entry in ClinVar:

ClinVar aggregate classification (germline): Pathogenic (1 of 4 stars; one submission).

Submission:

Labcorp Genetics (formerly Invitae), Labcorp
Classification: Pathogenic. Last evaluated: 2025-03-07. Review status: criteria provided, single submitter. Criteria: Invitae Variant Classification Sherloc (09022015). Collection method: clinical testing. Allele origin: germline.
Comment: This sequence change creates a premature translational stop signal (p.Ser165Phefs*66) in the PHYH gene. It is expected to result in an absent or disrupted protein product. Loss-of-function variants in PHYH are known to be pathogenic (PMID: 9326940, 14974078). This variant is not present in population databases (gnomAD no frequency). This variant has not been reported in the literature in individuals affected with PHYH-related conditions. ClinVar contains an entry for this variant (Variation ID: 2812949). For these reasons, this variant has been classified as Pathogenic.

Literature cited by the submitters: PubMed 9326940; PubMed 14974078.

NM_006214.4(PHYH):c.493dup (p.Ser165fs)

Gene: PHYH (phytanoyl-CoA 2-hydroxylase; minus strand). Cytogenetic location: 10p13.
Variant type: Duplication.
Coding change: c.493dup on transcript NM_006214.4 (MANE Select); coding-DNA position 493, one base duplicated (T; older notation c.493dupT).
Protein change: p.Ser165fs; shifts the reading frame from serine 165.
Molecular consequence: frameshift variant. On other transcripts: intron variant (1).
Genome position (GRCh38, 1-based): chr10:13,291,834, A duplicated on the plus strand (T on the coding strand, the reverse complement: PHYH is on the minus strand); the first of 2 consecutive A bases (chr10:13,291,834-13,291,835); duplicating either gives the same sequence. VCF-style (leftmost placement, unchanged base first): chr10-13291833-G-GA. GRCh37 (hg19) VCF-style: chr10-13333833-G-GA.
Other names: c.193dup, p.Ser65fs (NM_001037537.2, NM_001323080.2, NM_001323084.2); c.493dup, p.Ser165fs (NM_001323082.2); c.414+2594dup (NM_001323083.2); short protein forms S65fs, S165fs.
Identifiers: ClinVar variation 2812949 (VCV002812949.3), dbSNP rs2538650601, ClinGen allele CA2608293900.